The following is an entry in ClinVar:

NM_000166.6(GJB1):c.148T>C (p.Ser50Pro)

Gene: GJB1 (gap junction protein beta 1; plus strand). Cytogenetic location: Xq13.1.
Variant type: single nucleotide variant.
Coding change: c.148T>C on transcript NM_000166.6 (MANE Select); coding-DNA position 148, T replaced by C.
Protein change: p.Ser50Pro; replaces serine 50 with proline.
Molecular consequence: missense variant.
Genome position (GRCh38, 1-based): chrX:71,223,855, T>C. VCF-style: chrX-71223855-T-C. GRCh37 (hg19) VCF-style: chrX-70443705-T-C.
Other names: c.148T>C, p.Ser50Pro (NM_001097642.3); short protein forms S50P.
Identifiers: ClinVar variation 430122 (VCV000430122.10), dbSNP rs913934445, ClinGen allele CA413501135.

ClinVar aggregate classification (germline): Conflicting classifications of pathogenicity. Review status: criteria provided, conflicting classifications (1 of 4 stars). 4 submissions from 4 submitters: Likely pathogenic (1); Uncertain significance (2). 1 of the submissions does not count toward it. Last evaluated 2021-04-20.

Conditions:
Charcot-Marie-Tooth Neuropathy X. Identifiers: MedGen CN118851.
Charcot-Marie-Tooth disease. Also called: Charcot-Marie-Tooth Neuropathy; Charcot-Marie-Tooth Hereditary Neuropathy. Identifiers: Orphanet 166, MedGen C0007959, MONDO:0015626.

Submissions (4):

Labcorp Genetics (formerly Invitae), Labcorp
Classification: Uncertain significance for Charcot-Marie-Tooth Neuropathy X. Last evaluated: 2021-04-20. Review status: criteria provided, single submitter. Criteria: Invitae Variant Classification Sherloc (09022015). Collection method: clinical testing. Allele origin: germline.
Comment: In summary, the available evidence is currently insufficient to determine the role of this variant in disease. Therefore, it has been classified as a Variant of Uncertain Significance. Algorithms developed to predict the effect of missense changes on protein structure and function (SIFT, PolyPhen-2, Align-GVGD) all suggest that this variant is likely to be tolerated, but these predictions have not been confirmed by published functional studies and their clinical significance is uncertain. This variant has been observed in individual(s) with Charcot-Marie-Tooth disease (PMID: 10732813). ClinVar contains an entry for this variant (Variation ID: 430122). This variant is not present in population databases (ExAC no frequency). This sequence change replaces serine with proline at codon 50 of the GJB1 protein (p.Ser50Pro). The serine residue is moderately conserved and there is a moderate physicochemical difference between serine and proline.

GeneDx
Classification: Likely pathogenic. Last evaluated: 2017-05-22. Review status: criteria provided, single submitter. Criteria: GeneDx Variant Classification (06012015). Collection method: clinical testing. Allele origin: germline. Affected: yes.
Comment: A variant that is likely pathogenic has been identified in the GJB1 gene. The S50P variant has been previously reported in two families with a clinical diagnosis of axonal CMT (Latour et al., 1997). The S50P variant is not observed in large population cohorts (Lek et al., 2016; 1000 Genomes Consortium et al., 2015; Exome Variant Server). The S50P variant is a non-conservative amino acid substitution, which is likely to impact secondary protein structure as these residues differ in polarity, charge, size and/or other properties. This substitution occurs at a position that is conserved across species. In silico analysis is inconsistent in its predictions as to whether or not the variant is damaging to the protein structure/function. Missense variants in nearby residues (S49P/Y, F51L, C53S/Y) have been reported in the Human Gene Mutation Database in association with CMT (Stenson et al., 2014), supporting the functional importance of this region of the protein. Therefore, this variant is likely pathogenic; however, the possibility that it is benign cannot be excluded

Athena Diagnostics
Classification: Uncertain significance. Last evaluated: 2016-12-02. Review status: criteria provided, single submitter. Criteria: Athena Diagnostics Criteria. Collection method: clinical testing. Allele origin: germline.

Inherited Neuropathy Consortium
Classification: Uncertain significance for Charcot-Marie-Tooth disease. Review status: no assertion criteria provided. Collection method: literature only. Allele origin: germline. Affected: yes. Not counted in ClinVar's aggregate classification.

Literature cited by the submitters: PubMed 10732813 (cited by 3 submitters).